The following is an entry in ClinVar:

ClinVar aggregate classification (germline): Conflicting classifications of pathogenicity. Review status: criteria provided, conflicting classifications (1 of 4 stars). 6 submissions from 6 submitters: Uncertain significance (1); Benign (1); Likely benign (3). 1 of the submissions does not count toward it. Last evaluated 2026-02-01.

Conditions:
OFD1-related disorder. Also called: OFD1-related condition.
Joubert syndrome. Also called: Familial aplasia of the vermis; JOUBERT-BOLTSHAUSER SYNDROME. Identifiers: Orphanet 475, MedGen C5979921, MONDO:0018772.
Orofaciodigital syndrome I (OFD1). Also called: Oral-Facial-Digital Syndrome Type I; Papillon-Leage and Psaume Syndrome; OFDS I. Identifiers: Orphanet 2750, MedGen C1510460, MONDO:0010702, OMIM 311200.
Primary ciliary dyskinesia. Also called: Ciliary dyskinesia. Identifiers: Orphanet 244, MedGen C0008780, MONDO:0016575, HP:0012265.

Allele frequency attached by ClinVar (database versions not stated): ExAC 0.00011; ESP Exome Variant Server 0.00019; gnomAD 0.00030 and 0.00034; gnomAD exomes 0.00008; TOPMed 0.00034; 1000 Genomes Project 0.00079; 1000 Genomes Project 30x 0.00104.
gnomAD v4.1: 78 of 1,208,455 alleles (0.0065%); highest among the groups gnomAD compares: African/African-American, 0.11%; no homozygotes.

Submissions (6):

CeGaT Center for Human Genetics Tuebingen
Classification: Likely benign. Last evaluated: 2026-02-01. Review status: criteria provided, single submitter. Criteria: CeGaT Center For Human Genetics Tuebingen Variant Classification Criteria Version 2. Collection method: clinical testing. Allele origin: germline. Affected: yes. Observed: 2 variant alleles.
Comment: OFD1: BP4, BP7, BS2

Labcorp Genetics (formerly Invitae), Labcorp
Classification: Benign for Orofaciodigital syndrome I; Joubert syndrome. Last evaluated: 2025-11-23. Review status: criteria provided, single submitter. Criteria: Invitae Variant Classification Sherloc (09022015). Collection method: clinical testing. Allele origin: germline.

Blueprint Genetics
Classification: Likely benign. Last evaluated: 2022-11-21. Review status: criteria provided, single submitter. Criteria: ACMG Guidelines, 2015. Collection method: clinical testing. Allele origin: germline.

Ambry Genetics
Classification: Likely benign for Primary ciliary dyskinesia. Last evaluated: 2017-03-13. Review status: criteria provided, single submitter. Criteria: Ambry Variant Classification Scheme 2023. Collection method: clinical testing. Allele origin: germline.

Eurofins Ntd Llc (ga)
Classification: Uncertain significance. Last evaluated: 2016-06-13. Review status: criteria provided, single submitter. Criteria: EGL Classification Definitions 2015. Collection method: clinical testing. Allele origin: germline. Observed: 1 variant allele, 1 heterozygote.

PreventionGenetics, part of Exact Sciences
Classification: Likely benign for OFD1-related condition. Last evaluated: 2019-06-20. Review status: no assertion criteria provided. Collection method: clinical testing. Allele origin: germline. Not counted in ClinVar's aggregate classification.
Comment: This variant is classified as likely benign based on ACMG/AMP sequence variant interpretation guidelines (Richards et al. 2015 PMID: 25741868, with internal and published modifications).

NM_003611.3(OFD1):c.276T>C (p.Ser92=)

Gene: OFD1 (OFD1 centriole and centriolar satellite protein; plus strand). Cytogenetic location: Xp22.2.
Variant type: single nucleotide variant.
Coding change: c.276T>C on transcript NM_003611.3 (MANE Select); coding-DNA position 276, T replaced by C.
Protein change: p.Ser92=; no amino-acid change (serine 92 retained).
Molecular consequence: synonymous variant. On other transcripts: 5 prime UTR variant (1).
Genome position (GRCh38, 1-based): chrX:13,736,642, T>C. VCF-style: chrX-13736642-T-C. GRCh37 (hg19) VCF-style: chrX-13754761-T-C.
Other names: c.276T>C, p.Ser92= (NM_001330209.2); c.-270T>C (NM_001330210.2).
Identifiers: ClinVar variation 288538 (VCV000288538.25), dbSNP rs201675886, ClinGen allele CA10351553.